The following is an entry in ClinVar:

ClinVar aggregate classification (germline): Uncertain significance (1 of 4 stars; one submission).

Conditions:
Autoimmune lymphoproliferative syndrome type 2A (ALPS2A). Also called: CASP10-Related Autoimmune Lymphoproliferative Syndrome; AUTOIMMUNE LYMPHOPROLIFERATIVE SYNDROME, TYPE IIA; Autoimmune lymphoproliferative syndrome type 2. Identifiers: Orphanet 3261, MedGen C1858968, MONDO:0011383, OMIM 603909.

Allele frequency attached by ClinVar (database versions not stated): gnomAD exomes 0.00001; ExAC 0.00002.
gnomAD v4.1: 5 of 1,613,952 alleles (0.00031%); highest among the groups gnomAD compares: South Asian, 0.0055%; no homozygotes.

Submission:

Labcorp Genetics (formerly Invitae), Labcorp
Classification: Uncertain significance for Autoimmune lymphoproliferative syndrome type 2A. Last evaluated: 2022-09-13. Review status: criteria provided, single submitter. Criteria: Invitae Variant Classification Sherloc (09022015). Collection method: clinical testing. Allele origin: germline.
Comment: In summary, the available evidence is currently insufficient to determine the role of this variant in disease. Therefore, it has been classified as a Variant of Uncertain Significance. Algorithms developed to predict the effect of sequence changes on RNA splicing suggest that this variant may create or strengthen a splice site. Advanced modeling of protein sequence and biophysical properties (such as structural, functional, and spatial information, amino acid conservation, physicochemical variation, residue mobility, and thermodynamic stability) performed at Invitae indicates that this missense variant is not expected to disrupt CASP10 protein function. ClinVar contains an entry for this variant (Variation ID: 1016231). This variant has not been reported in the literature in individuals affected with CASP10-related conditions. This variant is present in population databases (rs767659964, gnomAD 0.01%). This sequence change replaces valine, which is neutral and non-polar, with glycine, which is neutral and non-polar, at codon 177 of the CASP10 protein (p.Val177Gly).

NM_032977.4(CASP10):c.530T>G (p.Val177Gly)

Gene: CASP10 (caspase 10; plus strand). Cytogenetic location: 2q33.1.
Variant type: single nucleotide variant.
Coding change: c.530T>G on transcript NM_032977.4 (MANE Select); coding-DNA position 530, T replaced by G.
Protein change: p.Val177Gly; replaces valine 177 with glycine.
Molecular consequence: missense variant.
Genome position (GRCh38, 1-based): chr2:201,193,072, T>G. VCF-style: chr2-201193072-T-G. GRCh37 (hg19) VCF-style: chr2-202057795-T-G.
Other names: c.530T>G, p.Val177Gly (NM_001206542.2, NM_001230.5, NM_001306083.2 and 3 more transcripts); short protein forms V177G.
Identifiers: ClinVar variation 1016231 (VCV001016231.11), dbSNP rs767659964, ClinGen allele CA2052893.